The following is an entry in ClinVar:

ClinVar aggregate classification (germline): Uncertain significance. Review status: criteria provided, multiple submitters, no conflicts (2 of 4 stars). 2 submissions from 2 submitters: Uncertain significance (2). Last evaluated 2025-08-14.

Conditions:
Hereditary cancer-predisposing syndrome. Also called: Hereditary neoplastic syndrome; Neoplastic Syndromes, Hereditary; Hereditary Cancer Syndrome; Tumor predisposition. Identifiers: Orphanet 140162, MedGen C0027672, MeSH D009386, MONDO:0015356.
Haddad syndrome (OHD). Also called: Ondine-Hirschsprung disease. Identifiers: Orphanet 99803, MedGen C1859049, MONDO:0020493.

Allele frequency attached by ClinVar (database versions not stated): gnomAD exomes below 0.00001; TOPMed below 0.00001.

Submissions (2):

Ambry Genetics
Classification: Uncertain significance for Hereditary cancer-predisposing syndrome. Last evaluated: 2025-08-14. Review status: criteria provided, single submitter. Criteria: Ambry Variant Classification Scheme 2023. Collection method: clinical testing. Allele origin: germline.
Comment: The p.P62A variant (also known as c.184C>G), located in coding exon 1 of the PHOX2B gene, results from a C to G substitution at nucleotide position 184. The proline at codon 62 is replaced by alanine, an amino acid with highly similar properties. This amino acid position is conserved. In addition, the in silico prediction for this alteration is inconclusive. Since supporting evidence is limited at this time, the clinical significance of this alteration remains unclear.

Labcorp Genetics (formerly Invitae), Labcorp
Classification: Uncertain significance for Haddad syndrome. Last evaluated: 2023-07-31. Review status: criteria provided, single submitter. Criteria: Invitae Variant Classification Sherloc (09022015). Collection method: clinical testing. Allele origin: germline.
Comment: In summary, the available evidence is currently insufficient to determine the role of this variant in disease. Therefore, it has been classified as a Variant of Uncertain Significance. Advanced modeling of protein sequence and biophysical properties (such as structural, functional, and spatial information, amino acid conservation, physicochemical variation, residue mobility, and thermodynamic stability) performed at Invitae indicates that this missense variant is not expected to disrupt PHOX2B protein function. ClinVar contains an entry for this variant (Variation ID: 965896). This variant has not been reported in the literature in individuals affected with PHOX2B-related conditions. This variant is not present in population databases (gnomAD no frequency). This sequence change replaces proline, which is neutral and non-polar, with alanine, which is neutral and non-polar, at codon 62 of the PHOX2B protein (p.Pro62Ala).

NM_003924.4(PHOX2B):c.184C>G (p.Pro62Ala)

Genes: PHOX2B-AS1 (PHOX2B antisense RNA 1; plus strand), PHOX2B (paired like homeobox 2B; minus strand). Cytogenetic location: 4p13.
Variant type: single nucleotide variant.
Coding change: c.184C>G on transcript NM_003924.4 (MANE Select); coding-DNA position 184, C replaced by G.
Protein change: p.Pro62Ala; replaces proline 62 with alanine.
Molecular consequence: missense variant.
Genome position (GRCh38, 1-based): chr4:41,748,427, G>C on the plus strand (C>G on the coding strand, the complement: PHOX2B is on the minus strand). VCF-style: chr4-41748427-G-C. GRCh37 (hg19) VCF-style: chr4-41750444-G-C.
Other names: short protein forms P62A.
Identifiers: ClinVar variation 965896 (VCV000965896.12), dbSNP rs1458869707, ClinGen allele CA356740903.